The following is an entry in ClinVar:

NM_000355.4(TCN2):c.840T>C (p.Asp280=)

Gene: TCN2 (transcobalamin 2; plus strand). Cytogenetic location: 22q12.2.
Variant type: single nucleotide variant.
Coding change: c.840T>C on transcript NM_000355.4 (MANE Select); coding-DNA position 840, T replaced by C.
Protein change: p.Asp280=; no amino-acid change (aspartic acid 280 retained).
Molecular consequence: synonymous variant.
Genome position (GRCh38, 1-based): chr22:30,615,687, T>C. VCF-style: chr22-30615687-T-C. GRCh37 (hg19) VCF-style: chr22-31011674-T-C.
Other names: c.759T>C, p.Asp253= (NM_001184726.2).
Identifiers: ClinVar variation 341203 (VCV000341203.15), dbSNP rs79999752, ClinGen allele CA10184859.
Genomic context (GRCh38, chr22:30,615,687, plus strand): 5'-GGCAGAACTGGGAACAGCATGTCTCAAGGCGAGGGTTGCTTTGCTGGCCAGTCTGCAGGA[T>C]GGAGCCTTCCAGAATGCTCTCATGATTTCCCAGCTGCTGCCCGTTCTGAACCACAAGACC-3'
Protein context (NP_000346.2, residues 270-290): ARVALLASLQ[Asp280=]GAFQNALMIS

ClinVar aggregate classification (germline): Benign. Review status: criteria provided, multiple submitters, no conflicts (2 of 4 stars). 2 submissions from 2 submitters: Benign (2). Last evaluated 2026-02-01.

Conditions:
Transcobalamin II deficiency (TCN2D). Also called: TC II DEFICIENCY; TCN2 DEFICIENCY; Transcolabamin II deficiency. Identifiers: Orphanet 859, MedGen C0342701, MONDO:0010149, OMIM 275350.

Allele frequency attached by ClinVar (database versions not stated): gnomAD exomes 0.00092 and 0.00227; ExAC 0.00248; 1000 Genomes Project 0.00679; 1000 Genomes Project 30x 0.00734; gnomAD 0.00741 and 0.00808; TOPMed 0.00864; ESP Exome Variant Server 0.00930.
gnomAD v4.1: 2,550 of 1,614,230 alleles (0.16%); highest among the groups gnomAD compares: African/African-American, 2.6%; 30 homozygotes.

Submissions (2):

Labcorp Genetics (formerly Invitae), Labcorp
Classification: Benign for Transcobalamin II deficiency. Last evaluated: 2026-02-01. Review status: criteria provided, single submitter. Criteria: Invitae Variant Classification Sherloc (09022015). Collection method: clinical testing. Allele origin: germline.

Illumina Laboratory Services, Illumina
Classification: Benign for Transcobalamin II deficiency. Last evaluated: 2018-01-13. Review status: criteria provided, single submitter. Criteria: ICSL Variant Classification Criteria 13 December 2019. Collection method: clinical testing. Allele origin: germline.
Comment: This variant was observed in the ICSL laboratory as part of a predisposition screen in an ostensibly healthy population. It had not been previously curated by ICSL or reported in the Human Gene Mutation Database (HGMD: prior to June 1st, 2018), and was therefore a candidate for classification through an automated scoring system. Utilizing variant allele frequency, disease prevalence and penetrance estimates, and inheritance mode, an automated score was calculated to assess if this variant is too frequent to cause the disease. Based on the score and internal cut-off values, a variant classified as benign is not then subjected to further curation. The score for this variant resulted in a classification of benign for this disease.